The following is an entry in ClinVar:

NM_024529.5(CDC73):c.513-12A>G

Gene: CDC73 (cell division cycle 73; plus strand). Cytogenetic location: 1q31.2.
Variant type: single nucleotide variant.
Coding change: c.513-12A>G on transcript NM_024529.5 (MANE Select); 12 bases into the intron before coding-DNA position 513, A replaced by G.
Molecular consequence: intron variant.
Genome position (GRCh38, 1-based): chr1:193,141,838, A>G. VCF-style: chr1-193141838-A-G. GRCh37 (hg19) VCF-style: chr1-193110968-A-G.
Identifiers: ClinVar variation 1927262 (VCV001927262.6), dbSNP rs1675912024, ClinGen allele CA1216122057.
Genomic context (GRCh38, chr1:193,141,838, plus strand): 5'-TGTAACAAAATATATTTATGATACACTCCAGGAATGCCTGCTGTGAAAATTTAAAAAAGA[A>G]ATTGCTTTTAGGTCTTTGTCTGAAGCTATGTCAGTGGAAAAAATTGCTGCAATCAAAGCC-3'

ClinVar aggregate classification (germline): Conflicting classifications of pathogenicity. Review status: criteria provided, conflicting classifications (1 of 4 stars). 2 submissions from 2 submitters: Uncertain significance (1); Likely benign (1). Last evaluated 2025-11-17.

Conditions:
Parathyroid carcinoma (PRTC). Also called: CDC73-Related Parathyroid Carcinoma; Parathyroid gland carcinoma. Identifiers: Orphanet 143, MedGen C0687150, MONDO:0012004, OMIM 608266, HP:0006780.

Allele frequency attached by ClinVar (database versions not stated): gnomAD exomes below 0.00001; TOPMed 0.00001.
gnomAD v4.1: 4 of 1,587,042 alleles (0.00025%); highest among the groups gnomAD compares: Middle Eastern, 0.033%; no homozygotes.

Submissions (2):

Labcorp Genetics (formerly Invitae), Labcorp
Classification: Likely benign for Parathyroid carcinoma. Last evaluated: 2025-11-17. Review status: criteria provided, single submitter. Criteria: Invitae Variant Classification Sherloc (09022015). Collection method: clinical testing. Allele origin: germline.

GeneDx
Classification: Uncertain significance. Last evaluated: 2024-03-29. Review status: criteria provided, single submitter. Criteria: GeneDx Variant Classification Process June 2021. Collection method: clinical testing. Allele origin: germline. Affected: yes.
Comment: Not observed at significant frequency in large population cohorts (gnomAD); In silico analysis suggests this variant may impact gene splicing. In the absence of RNA/functional studies, the actual effect of this sequence change is unknown.; Has not been previously published as pathogenic or benign to our knowledge